The following is an entry in ClinVar:

ClinVar aggregate classification (germline): Likely pathogenic (1 of 4 stars; one submission).

Conditions:
Hyperinsulinemic hypoglycemia, familial, 1 (HHF1). Also called: HYPERINSULINISM, FAMILIAL, WITH PANCREATIC NESIDIOBLASTOSIS; HYPOGLYCEMIA, HYPERINSULINEMIC, OF INFANCY; NESIDIOBLASTOSIS OF PANCREAS; Persistent hyperinsulinemic hypoglycemia of infancy; Persistent Hyperinsulinemia Hypoglycemia of Infancy. Identifiers: Orphanet 276575, Orphanet 276598, MedGen C2931832, MONDO:0009734, OMIM 256450.

Submission:

Myriad Genetics, Inc.
Classification: Likely pathogenic for Hyperinsulinemic hypoglycemia, familial, 1. Last evaluated: 2022-03-15. Review status: criteria provided, single submitter. Criteria: Myriad Women's Health Autosomal Recessive and X-Linked Classification Criteria (2021). Collection method: clinical testing. Allele origin: unknown.
Comment: NM_000352.3(ABCC8):c.3508_3509insA(L1170Hfs*24) is expected to be pathogenic in the context of familial hyperinsulinism, ABCC8-related. This variant is predicted to lead to an abnormal or absent protein product due to the creation of a premature termination codon in ABCC8, a gene where loss-of-function variants are known to be pathogenic. Please note: this variant was assessed in the context of healthy population screening.

NM_000352.6(ABCC8):c.3508_3509insA (p.Leu1170fs)

Gene: ABCC8 (ATP binding cassette subfamily C member 8; minus strand). Cytogenetic location: 11p15.1.
Variant type: Insertion.
Coding change: c.3508_3509insA on transcript NM_000352.6 (MANE Select); coding-DNA positions 3508 to 3509, A inserted.
Protein change: p.Leu1170fs; shifts the reading frame from leucine 1170.
Molecular consequence: frameshift variant. On other transcripts: non-coding transcript variant (1).
Genome position: GRCh38 VCF-style: chr11-17404560-A-AT. GRCh37 (hg19) VCF-style: chr11-17426107-A-AT.
Other names: c.3511_3512insA, p.Leu1171fs (NM_001287174.3); c.3574_3575insA, p.Leu1192fs (NM_001351295.2); c.3508_3509insA, p.Leu1170fs (NM_001351296.2); c.3505_3506insA, p.Leu1169fs (NM_001351297.2); short protein forms L1169fs, L1170fs, L1171fs, L1192fs.
Identifiers: ClinVar variation 1725278 (VCV001725278.2), dbSNP rs2496512657, ClinGen allele CA2580082797.
Genomic context (GRCh38, chr11:17,404,560, plus strand): 5'-TGAGGCCATCACCTGGACGCCACCCGGAAGTACTTCTGGATGAAGTAGCACACGATGGCC[A>AT]GGGGCAAGAGGGCCACGAGGAACACAGGTGTGACATAGGAGATGACGGCCAGGGCTGAGA-3'